The following is an entry in ClinVar:

ClinVar aggregate classification (germline): Benign. Review status: criteria provided, multiple submitters, no conflicts (2 of 4 stars). 3 submissions from 3 submitters: Benign (3). Last evaluated 2025-12-23.

Conditions:
Ichthyosis bullosa of Siemens (IBS). Also called: Superficial epidermolytic ichthyosis. Identifiers: Orphanet 455, MedGen C0432306, MONDO:0007813, OMIM 146800.

Allele frequency attached by ClinVar (database versions not stated): gnomAD exomes 0.00070 and 0.00195; ExAC 0.00250; ESP Exome Variant Server 0.00772; gnomAD 0.00830 and 0.00875; TOPMed 0.00948; 1000 Genomes Project 0.01398; 1000 Genomes Project 30x 0.01452.

Submissions (3):

Labcorp Genetics (formerly Invitae), Labcorp
Classification: Benign. Last evaluated: 2025-12-23. Review status: criteria provided, single submitter. Criteria: Invitae Variant Classification Sherloc (09022015). Collection method: clinical testing. Allele origin: germline.

Illumina Laboratory Services, Illumina
Classification: Benign for Ichthyosis bullosa of Siemens. Last evaluated: 2018-01-13. Review status: criteria provided, single submitter. Criteria: ICSL Variant Classification Criteria 13 December 2019. Collection method: clinical testing. Allele origin: germline.
Comment: This variant was observed in the ICSL laboratory as part of a predisposition screen in an ostensibly healthy population. It had not been previously curated by ICSL or reported in the Human Gene Mutation Database (HGMD: prior to June 1st, 2018), and was therefore a candidate for classification through an automated scoring system. Utilizing variant allele frequency, disease prevalence and penetrance estimates, and inheritance mode, an automated score was calculated to assess if this variant is too frequent to cause the disease. Based on the score and internal cut-off values, a variant classified as benign is not then subjected to further curation. The score for this variant resulted in a classification of benign for this disease.

Breakthrough Genomics
Classification: Benign. Review status: criteria provided, single submitter. Criteria: ACMG Guidelines, 2015. Collection method: not provided. Allele origin: germline. Inheritance: Autosomal dominant inheritance. Affected: yes.

NM_000423.3(KRT2):c.317G>A (p.Ser106Asn)

Gene: KRT2 (keratin 2; minus strand). Cytogenetic location: 12q13.13.
Variant type: single nucleotide variant.
Coding change: c.317G>A on transcript NM_000423.3 (MANE Select); coding-DNA position 317, G replaced by A.
Protein change: p.Ser106Asn; replaces serine 106 with asparagine.
Molecular consequence: missense variant.
Genome position (GRCh38, 1-based): chr12:52,651,826, C>T on the plus strand (G>A on the coding strand, the complement: KRT2 is on the minus strand). VCF-style: chr12-52651826-C-T. GRCh37 (hg19) VCF-style: chr12-53045610-C-T.
Other names: short protein forms S106N.
Identifiers: ClinVar variation 714340 (VCV000714340.13), dbSNP rs74660757, ClinGen allele CA6585869.